The following is an entry in ClinVar:

ClinVar aggregate classification (germline): Uncertain significance (1 of 4 stars; one submission).

Conditions:
TTN-related disorder. Also called: TTN-related disorders; TTN-related condition; TTN-related disease.

gnomAD v4.1: 3 of 1,611,714 alleles (0.00019%); highest among the groups gnomAD compares: Non-Finnish European, 0.00025%; no homozygotes.

Submission:

PreventionGenetics, part of Exact Sciences
Classification: Uncertain significance for TTN-related condition. Last evaluated: 2025-10-17. Review status: criteria provided, single submitter. Criteria: ACMG Guidelines, 2015. Collection method: clinical testing. Allele origin: germline.
Comment: The TTN c.83741C>A variant is predicted to result in the amino acid substitution p.Thr27914Lys. To our knowledge, this variant has not been reported in the literature. This variant is reported in 0.00089% of alleles in individuals of European (Non-Finnish) descent in gnomAD. At this time, the clinical significance of this variant is uncertain due to the absence of conclusive functional and genetic evidence.

NM_001267550.2(TTN):c.83741C>A (p.Thr27914Lys)

Genes: TTN-AS1 (TTN antisense RNA 1; plus strand), TTN (titin; minus strand). Cytogenetic location: 2q31.2.
Variant type: single nucleotide variant.
Coding change: c.83741C>A on transcript NM_001267550.2 (MANE Select); coding-DNA position 83741, C replaced by A.
Protein change: p.Thr27914Lys; replaces threonine 27914 with lysine.
Molecular consequence: missense variant.
Genome position (GRCh38, 1-based): chr2:178,562,391, G>T on the plus strand (C>A on the coding strand, the complement: TTN is on the minus strand). VCF-style: chr2-178562391-G-T. GRCh37 (hg19) VCF-style: chr2-179427118-G-T.
Other names: c.78818C>A, p.Thr26273Lys (NM_001256850.1); c.56546C>A, p.Thr18849Lys (NM_003319.4); c.76037C>A, p.Thr25346Lys (NM_133378.4); c.56921C>A, p.Thr18974Lys (NM_133432.3); c.57122C>A, p.Thr19041Lys (NM_133437.4); short protein forms T19041K, T25346K, T18849K, T18974K, T26273K, T27914K.
Identifiers: ClinVar variation 4984156 (VCV004984156.1).
Genomic context (GRCh38, chr2:178,562,391, plus strand): 5'-AAGACATACTCTTCTCCTGCAGTTAAGCCAGATATAGTTGCTTCTAGAGTCTTAACTTGT[G>T]TGCAGGTGCTCCACTTTTCACTCCCTTTAGTCTGCATTTCAACCACATAACCAGTAATTT-3'
Protein context (NP_001254479.2, residues 27904-27924): TKGSEKWSTC[Thr27914Lys]QVKTLEATIS